The following is an entry in ClinVar:

NM_020312.4(COQ9):c.37G>A (p.Ala13Thr)

Genes: COQ9 (coenzyme Q9; plus strand), LOC112469007 (Sharpr-MPRA regulatory region 5957; plus strand). Cytogenetic location: 16q21.
Variant type: single nucleotide variant.
Coding change: c.37G>A on transcript NM_020312.4 (MANE Select); coding-DNA position 37, G replaced by A.
Protein change: p.Ala13Thr; replaces alanine 13 with threonine.
Molecular consequence: missense variant.
Genome position (GRCh38, 1-based): chr16:57,447,542, G>A. VCF-style: chr16-57447542-G-A. GRCh37 (hg19) VCF-style: chr16-57481454-G-A.
Other names: c.37G>A (NM_020312.3); short protein forms A13T.
Identifiers: ClinVar variation 1369063 (VCV001369063.7), dbSNP rs758943543, ClinGen allele CA8076060.

ClinVar aggregate classification (germline): Conflicting classifications of pathogenicity. Review status: criteria provided, conflicting classifications (1 of 4 stars). 3 submissions from 3 submitters: Uncertain significance (2); Likely benign (1). Last evaluated 2025-03-07.

Conditions:
Inborn genetic diseases. Identifiers: MedGen C0950123, MeSH D030342.
Encephalopathy-hypertrophic cardiomyopathy-renal tubular disease syndrome. Identifiers: Orphanet 319678, MedGen C3553374, MONDO:0013840, OMIM 614654.

Allele frequency attached by ClinVar (database versions not stated): gnomAD 0.00001 and 0.00002; gnomAD exomes 0.00002; TOPMed 0.00003.

Submissions (3):

Ambry Genetics
Classification: Uncertain significance for Inborn genetic diseases. Last evaluated: 2025-03-07. Review status: criteria provided, single submitter. Criteria: Ambry Variant Classification Scheme 2023. Collection method: clinical testing. Allele origin: germline.

3billion
Classification: Likely benign for Encephalopathy-hypertrophic cardiomyopathy-renal tubular disease syndrome. Last evaluated: 2024-09-20. Review status: criteria provided, single submitter. Criteria: ACMG Guidelines, 2015. Collection method: clinical testing. Allele origin: germline. Affected: no.
Comment: The homozygous variant was found in patients diagnosed with another variant in a different gene, with no symptoms related to the gene containing the homozygous variant.

Labcorp Genetics (formerly Invitae), Labcorp
Classification: Uncertain significance. Last evaluated: 2022-03-11. Review status: criteria provided, single submitter. Criteria: Invitae Variant Classification Sherloc (09022015). Collection method: clinical testing. Allele origin: germline.
Comment: This sequence change replaces alanine, which is neutral and non-polar, with threonine, which is neutral and polar, at codon 13 of the COQ9 protein (p.Ala13Thr). The frequency data for this variant in the population databases is considered unreliable, as metrics indicate poor data quality at this position in the gnomAD database. This variant has not been reported in the literature in individuals affected with COQ9-related conditions. Algorithms developed to predict the effect of missense changes on protein structure and function output the following: SIFT: "Tolerated"; PolyPhen-2: "Not Available"; Align-GVGD: "Class C0". The threonine amino acid residue is found in multiple mammalian species, which suggests that this missense change does not adversely affect protein function. In summary, the available evidence is currently insufficient to determine the role of this variant in disease. Therefore, it has been classified as a Variant of Uncertain Significance.